The following is an entry in ClinVar:

ClinVar aggregate classification (germline): Uncertain significance (1 of 4 stars; one submission).

Conditions:
Saldino-Mainzer syndrome (SRTD9). Also called: Renal dysplasia, retinal pigmentary dystrophy, cerebellar ataxia and skeletal dysplasia; CONORENAL SYNDROME; short-rib thoracic dysplasia 9 with or without polydactyly; SHORT-RIB THORACIC DYSPLASIA 9 WITHOUT POLYDACTYLY. Identifiers: Orphanet 140969, MedGen C1849437, MONDO:0009964, OMIM 266920.

Allele frequency attached by ClinVar (database versions not stated): gnomAD exomes below 0.00001; TOPMed below 0.00001; ExAC 0.00001.

Submission:

Labcorp Genetics (formerly Invitae), Labcorp
Classification: Uncertain significance for Saldino-Mainzer syndrome. Last evaluated: 2023-04-24. Review status: criteria provided, single submitter. Criteria: Invitae Variant Classification Sherloc (09022015). Collection method: clinical testing. Allele origin: germline.
Comment: This sequence change replaces arginine, which is basic and polar, with tryptophan, which is neutral and slightly polar, at codon 253 of the IFT140 protein (p.Arg253Trp). This variant is present in population databases (rs761276513, gnomAD 0.006%). This variant has not been reported in the literature in individuals affected with IFT140-related conditions. ClinVar contains an entry for this variant (Variation ID: 1932774). Advanced modeling of protein sequence and biophysical properties (such as structural, functional, and spatial information, amino acid conservation, physicochemical variation, residue mobility, and thermodynamic stability) performed at Invitae indicates that this missense variant is not expected to disrupt IFT140 protein function. In summary, the available evidence is currently insufficient to determine the role of this variant in disease. Therefore, it has been classified as a Variant of Uncertain Significance.

NM_014714.4(IFT140):c.757C>T (p.Arg253Trp)

Genes: IFT140 (intraflagellar transport 140; minus strand), LOC105371046 (uncharacterized LOC105371046; plus strand). Cytogenetic location: 16p13.3.
Variant type: single nucleotide variant.
Coding change: c.757C>T on transcript NM_014714.4 (MANE Select); coding-DNA position 757, C replaced by T.
Protein change: p.Arg253Trp; replaces arginine 253 with tryptophan.
Molecular consequence: missense variant.
Genome position (GRCh38, 1-based): chr16:1,589,658, G>A on the plus strand (C>T on the coding strand, the complement: IFT140 is on the minus strand). VCF-style: chr16-1589658-G-A. GRCh37 (hg19) VCF-style: chr16-1639659-G-A.
Other names: short protein forms R253W.
Identifiers: ClinVar variation 1932774 (VCV001932774.5), dbSNP rs761276513, ClinGen allele CA7814586.